The following is an entry in ClinVar:

ClinVar aggregate classification (germline): Uncertain significance (1 of 4 stars; one submission).

Conditions:
Familial focal epilepsy with variable foci (FPEVF). Identifiers: Orphanet 98820, MedGen C1858477, MONDO:0020310.

Submission:

Labcorp Genetics (formerly Invitae), Labcorp
Classification: Uncertain significance for Familial focal epilepsy with variable foci. Last evaluated: 2023-08-23. Review status: criteria provided, single submitter. Criteria: Invitae Variant Classification Sherloc (09022015). Collection method: clinical testing. Allele origin: germline.
Comment: This sequence change replaces arginine, which is basic and polar, with leucine, which is neutral and non-polar, at codon 1518 of the DEPDC5 protein (p.Arg1518Leu). This variant is not present in population databases (gnomAD no frequency). This variant has not been reported in the literature in individuals affected with DEPDC5-related conditions. Experimental studies and prediction algorithms are not available or were not evaluated, and the functional significance of this variant is currently unknown. In summary, the available evidence is currently insufficient to determine the role of this variant in disease. Therefore, it has been classified as a Variant of Uncertain Significance.

NM_001242896.3(DEPDC5):c.4553G>T (p.Arg1518Leu)

Gene: DEPDC5 (DEP domain containing 5, GATOR1 subcomplex subunit; plus strand). Cytogenetic location: 22q12.3.
Variant type: single nucleotide variant.
Coding change: c.4553G>T on transcript NM_001242896.3 (MANE Select); coding-DNA position 4553, G replaced by T.
Protein change: p.Arg1518Leu; replaces arginine 1518 with leucine.
Molecular consequence: missense variant. On other transcripts: non-coding transcript variant (5).
Genome position (GRCh38, 1-based): chr22:31,906,238, G>T. VCF-style: chr22-31906238-G-T. GRCh37 (hg19) VCF-style: chr22-32302224-G-T.
Other names: c.4553G>T, p.Arg1518Leu (NM_001364318.2); c.4319G>T, p.Arg1440Leu (NM_001364319.2, NM_001363854.2); c.4487G>T, p.Arg1496Leu (NM_001364320.2, NM_001363852.2); c.4469G>T, p.Arg1490Leu (NM_001369901.1, NM_001369902.1); c.4460G>T, p.Arg1487Leu (NM_001369903.1, NM_014662.6); c.4526G>T, p.Arg1509Leu (NM_001136029.4); c.4253G>T, p.Arg1418Leu (NM_001242897.2); short protein forms R1487L, R1518L, R1490L, R1496L, R1418L, R1440L, R1509L.
Identifiers: ClinVar variation 2754508 (VCV002754508.3), dbSNP rs2149448672, ClinGen allele CA411292298.